The following is an entry in ClinVar:

NM_000293.3(PHKB):c.258C>G (p.Asp86Glu)

Genes: PHKB (phosphorylase kinase regulatory subunit beta; plus strand), LOC112449713 (Sharpr-MPRA regulatory region 10524; plus strand). Cytogenetic location: 16q12.1.
Variant type: single nucleotide variant.
Coding change: c.258C>G on transcript NM_000293.3 (MANE Select); coding-DNA position 258, C replaced by G.
Protein change: p.Asp86Glu; replaces aspartic acid 86 with glutamic acid.
Molecular consequence: missense variant.
Genome position (GRCh38, 1-based): chr16:47,499,847, C>G. VCF-style: chr16-47499847-C-G. GRCh37 (hg19) VCF-style: chr16-47533758-C-G.
Other names: c.237C>G, p.Asp79Glu (NM_001031835.3); c.258C>G, p.Asp86Glu (NM_001363837.1); short protein forms D79E, D86E.
Identifiers: ClinVar variation 1392051 (VCV001392051.5), dbSNP rs147357783, ClinGen allele CA396098720.
Genomic context (GRCh38, chr16:47,499,847, plus strand): 5'-AACTACCGGTCTCTTTCCCACTAAAACATGCGGTGGTGACCAGAAGGCCAAGATCCAGGA[C>G]AGCCTATACTGCGCTGCTGGGGCCTGGGCTTTGGCTCTTGCATACAGGTGAGCTGGTGTG-3'
Protein context (NP_000284.1, residues 76-96): CGGDQKAKIQ[Asp86Glu]SLYCAAGAWA

ClinVar aggregate classification (germline): Uncertain significance (1 of 4 stars; one submission).

Conditions:
Glycogen storage disease IXb (GSD9B). Also called: GLYCOGENOSIS OF LIVER AND MUSCLE, AUTOSOMAL RECESSIVE; GSD IXb; PHOSPHORYLASE KINASE DEFICIENCY OF LIVER AND MUSCLE, AUTOSOMAL RECESSIVE. Identifiers: Orphanet 79240, MedGen C0543514, MONDO:0009868, OMIM 261750.

gnomAD v4.1: 8 of 1,614,172 alleles (0.0005%); highest among the groups gnomAD compares: Non-Finnish European, 0.00068%; no homozygotes.

Submission:

Labcorp Genetics (formerly Invitae), Labcorp
Classification: Uncertain significance for Glycogen storage disease IXb. Last evaluated: 2021-09-01. Review status: criteria provided, single submitter. Criteria: Invitae Variant Classification Sherloc (09022015). Collection method: clinical testing. Allele origin: germline.
Comment: This sequence change replaces aspartic acid with glutamic acid at codon 86 of the PHKB protein (p.Asp86Glu). The aspartic acid residue is moderately conserved and there is a small physicochemical difference between aspartic acid and glutamic acid. This variant is not present in population databases (ExAC no frequency). This variant has not been reported in the literature in individuals affected with PHKB-related conditions. Algorithms developed to predict the effect of missense changes on protein structure and function output the following: SIFT: "Tolerated"; PolyPhen-2: "Benign"; Align-GVGD: "Class C0". The glutamic acid amino acid residue is found in multiple mammalian species, which suggests that this missense change does not adversely affect protein function. In summary, the available evidence is currently insufficient to determine the role of this variant in disease. Therefore, it has been classified as a Variant of Uncertain Significance.